The following is an entry in ClinVar:

ClinVar aggregate classification (germline): Likely benign (1 of 4 stars; one submission).

Conditions:
PLXNA2-related disorder. Also called: PLXNA2-related condition.

gnomAD v4.1: 1 of 1,606,766 alleles (0.000062%); highest among the groups gnomAD compares: Non-Finnish European, 0.000085%; no homozygotes.

Submission:

PreventionGenetics, part of Exact Sciences
Classification: Likely benign for PLXNA2-related condition. Last evaluated: 2025-10-08. Review status: criteria provided, single submitter. Criteria: ACMG Guidelines, 2015. Collection method: clinical testing. Allele origin: germline.
Comment: This variant is classified as likely benign based on ACMG/AMP sequence variant interpretation guidelines (Richards et al. 2015 PMID: 25741868, with internal and published modifications).

NM_025179.4(PLXNA2):c.1485G>T (p.Leu495=)

Gene: PLXNA2 (plexin A2; minus strand). Cytogenetic location: 1q32.2.
Variant type: single nucleotide variant.
Coding change: c.1485G>T on transcript NM_025179.4 (MANE Select); coding-DNA position 1485, G replaced by T.
Protein change: p.Leu495=; no amino-acid change (leucine 495 retained).
Molecular consequence: synonymous variant.
Genome position (GRCh38, 1-based): chr1:208,142,350, C>A on the plus strand (G>T on the coding strand, the complement: PLXNA2 is on the minus strand). VCF-style: chr1-208142350-C-A. GRCh37 (hg19) VCF-style: chr1-208315695-C-A.
Identifiers: ClinVar variation 4995878 (VCV004995878.1).
Genomic context (GRCh38, chr1:208,142,350, plus strand): 5'-CTTGGAGTTTGGAAAGCAGAGATGGATGTTAGCACTTACCTGTCTCTCAGACATGACGTA[C>A]AGGTAGCGCTGATCAATGGAGAAGGCCATGTCCCGGAGGATGGGGCTTCCGTCCTTGAGC-3'
Protein context (NP_079455.3, residues 485-505): DMAFSIDQRY[Leu495=]YVMSERQVTR